The following is an entry in ClinVar:

NM_005235.3(ERBB4):c.2418G>A (p.Glu806=)

Gene: ERBB4 (erb-b2 receptor tyrosine kinase 4; minus strand). Cytogenetic location: 2q34.
Variant type: single nucleotide variant.
Coding change: c.2418G>A on transcript NM_005235.3 (MANE Select); coding-DNA position 2418, G replaced by A.
Protein change: p.Glu806=; no amino-acid change (glutamic acid 806 retained).
Molecular consequence: synonymous variant.
Genome position (GRCh38, 1-based): chr2:211,561,972, C>T on the plus strand (G>A on the coding strand, the complement: ERBB4 is on the minus strand). VCF-style: chr2-211561972-C-T. GRCh37 (hg19) VCF-style: chr2-212426697-C-T.
Other names: c.2418G>A, p.Glu806= (NM_001042599.2).
Identifiers: ClinVar variation 748413 (VCV000748413.9), dbSNP rs775875805, ClinGen allele CA2087756.

ClinVar aggregate classification (germline): Likely benign. Review status: criteria provided, single submitter (1 of 4 stars). 2 submissions from 2 submitters: Likely benign (1). 1 of the submissions does not count toward it. Last evaluated 2025-12-14.

Conditions:
ERBB4-related disorder. Also called: ERBB4-related condition.

Allele frequency attached by ClinVar (database versions not stated): gnomAD exomes 0.00005 and 0.00008; TOPMed 0.00005; ExAC 0.00007; gnomAD 0.00007.
gnomAD v4.1: 97 of 1,614,182 alleles (0.006%); highest among the groups gnomAD compares: Middle Eastern, 0.12%; no homozygotes.

Submissions (2):

Labcorp Genetics (formerly Invitae), Labcorp
Classification: Likely benign. Last evaluated: 2025-12-14. Review status: criteria provided, single submitter. Criteria: Invitae Variant Classification Sherloc (09022015). Collection method: clinical testing. Allele origin: germline.

PreventionGenetics, part of Exact Sciences
Classification: Likely benign for ERBB4-related condition. Last evaluated: 2024-02-15. Review status: no assertion criteria provided. Collection method: clinical testing. Allele origin: germline. Not counted in ClinVar's aggregate classification.
Comment: This variant is classified as likely benign based on ACMG/AMP sequence variant interpretation guidelines (Richards et al. 2015 PMID: 25741868, with internal and published modifications).